The following is an entry in ClinVar:

NM_032776.3(JMJD1C):c.7590C>T (p.His2530=)

Gene: JMJD1C (jumonji domain containing 1C; minus strand). Cytogenetic location: 10q21.3.
Variant type: single nucleotide variant.
Coding change: c.7590C>T on transcript NM_032776.3 (MANE Select); coding-DNA position 7590, C replaced by T.
Protein change: p.His2530=; no amino-acid change (histidine 2530 retained).
Molecular consequence: synonymous variant. On other transcripts: non-coding transcript variant (1).
Genome position (GRCh38, 1-based): chr10:63,168,078, G>A on the plus strand (C>T on the coding strand, the complement: JMJD1C is on the minus strand). VCF-style: chr10-63168078-G-A. GRCh37 (hg19) VCF-style: chr10-64927838-G-A.
Other names: c.7044C>T, p.His2348= (NM_001282948.2, NM_001318154.2); c.6726C>T, p.His2242= (NM_001318153.2); c.7476C>T, p.His2492= (NM_001322252.2); c.6933C>T, p.His2311= (NM_001322254.2, NM_001322258.2); c.7590C>T (NM_032776.2).
Identifiers: ClinVar variation 1655713 (VCV001655713.11), dbSNP rs375031134, ClinGen allele CA5517615.
Genomic context (GRCh38, chr10:63,168,078, plus strand): 5'-ACCTAAAAATATCAAACTGGATCACACTTAATTTTCTTCCATATCCTCTACTTCATCCTC[G>A]TGTATCTTCAAGGCTCTCACCATTTCTTTGACTGCATGATACAAAATATTTTTAACCTGA-3'
Protein context (NP_116165.1, residues 2520-2540): VKEMVRALKI[His2530=]EDEVEDMEEN

ClinVar aggregate classification (germline): Likely benign. Review status: criteria provided, multiple submitters, no conflicts (2 of 4 stars). 3 submissions from 3 submitters: Likely benign (2). 1 of the submissions does not count toward it. Last evaluated 2026-09-01.

Conditions:
Early Myoclonic Encephalopathy. Identifiers: MedGen C0270855.
JMJD1C-related disorder. Also called: JMJD1C-related condition.

Allele frequency attached by ClinVar (database versions not stated): gnomAD 0.00006 and 0.00007; gnomAD exomes 0.00010; ExAC 0.00012; ESP Exome Variant Server 0.00025.
gnomAD v4.1: 110 of 1,603,794 alleles (0.0069%); highest among the groups gnomAD compares: Middle Eastern, 0.016%; no homozygotes.

Submissions (3):

CeGaT Center for Human Genetics Tuebingen
Classification: Likely benign. Last evaluated: 2026-09-01. Review status: criteria provided, single submitter. Criteria: CeGaT Center For Human Genetics Tuebingen Variant Classification Criteria Version 2. Collection method: clinical testing. Allele origin: germline. Affected: yes. Observed: 1 variant allele.
Comment: JMJD1C: BP4, BP7

Labcorp Genetics (formerly Invitae), Labcorp
Classification: Likely benign for Early Myoclonic Encephalopathy. Last evaluated: 2024-08-15. Review status: criteria provided, single submitter. Criteria: Invitae Variant Classification Sherloc (09022015). Collection method: clinical testing. Allele origin: germline.

PreventionGenetics, part of Exact Sciences
Classification: Likely benign for JMJD1C-related condition. Last evaluated: 2019-07-12. Review status: no assertion criteria provided. Collection method: clinical testing. Allele origin: germline. Not counted in ClinVar's aggregate classification.
Comment: This variant is classified as likely benign based on ACMG/AMP sequence variant interpretation guidelines (Richards et al. 2015 PMID: 25741868, with internal and published modifications).